The following is an entry in ClinVar:

ClinVar aggregate classification (germline): Uncertain significance (1 of 4 stars; one submission).

Conditions:
D-2-hydroxyglutaric aciduria 2 (D2HGA2). Identifiers: Orphanet 79315, MedGen C3150909, MONDO:0013345, OMIM 613657.

Allele frequency attached by ClinVar (database versions not stated): gnomAD exomes 0.00004; gnomAD 0.00006; TOPMed 0.00006; ExAC 0.00007.

Submission:

Labcorp Genetics (formerly Invitae), Labcorp
Classification: Uncertain significance for D-2-hydroxyglutaric aciduria 2. Last evaluated: 2026-01-19. Review status: criteria provided, single submitter. Criteria: Invitae Variant Classification Sherloc (09022015). Collection method: clinical testing. Allele origin: germline.
Comment: This sequence change replaces arginine, which is basic and polar, with glutamine, which is neutral and polar, at codon 188 of the IDH2 protein (p.Arg188Gln). This variant is present in population databases (rs749096156, gnomAD 0.01%). This variant has not been reported in the literature in individuals affected with IDH2-related conditions. ClinVar contains an entry for this variant (Variation ID: 1511129). Invitae Evidence Modeling of protein sequence and biophysical properties (such as structural, functional, and spatial information, amino acid conservation, physicochemical variation, residue mobility, and thermodynamic stability) indicates that this missense variant is not expected to disrupt IDH2 protein function with a negative predictive value of 80%. In summary, the available evidence is currently insufficient to determine the role of this variant in disease. Therefore, it has been classified as a Variant of Uncertain Significance.

NM_002168.4(IDH2):c.563G>A (p.Arg188Gln)

Gene: IDH2 (isocitrate dehydrogenase (NADP(+)) 2; minus strand). Cytogenetic location: 15q26.1.
Variant type: single nucleotide variant.
Coding change: c.563G>A on transcript NM_002168.4 (MANE Select); coding-DNA position 563, G replaced by A.
Protein change: p.Arg188Gln; replaces arginine 188 with glutamine.
Molecular consequence: missense variant.
Genome position (GRCh38, 1-based): chr15:90,088,474, C>T on the plus strand (G>A on the coding strand, the complement: IDH2 is on the minus strand). VCF-style: chr15-90088474-C-T. GRCh37 (hg19) VCF-style: chr15-90631706-C-T.
Other names: c.407G>A, p.Arg136Gln (NM_001289910.1); c.173G>A, p.Arg58Gln (NM_001290114.2); short protein forms R188Q, R136Q, R58Q.
Identifiers: ClinVar variation 1511129 (VCV001511129.6), dbSNP rs749096156, ClinGen allele CA7733140.
Genomic context (GRCh38, chr15:90,088,474, plus strand): 5'-TCCCACTCCTTGACACCACTGCCATCTTTTGGGGTGAAGACCATTTTGAAAGTGCCGGCC[C>T]GGTCTGCCACAAAGTCTGTGGCCTTGTACTGCAGAGACAAGAGGATGGCTAGGCGAGGAG-3'
Protein context (NP_002159.2, residues 178-198): QYKATDFVAD[Arg188Gln]AGTFKMVFTP